The following is an entry in ClinVar:

NM_000264.5(PTCH1):c.1012C>T (p.Gln338Ter)

Gene: PTCH1 (patched 1; minus strand). Cytogenetic location: 9q22.32.
Variant type: single nucleotide variant.
Coding change: c.1012C>T on transcript NM_000264.5 (MANE Select); coding-DNA position 1012, C replaced by T.
Protein change: p.Gln338Ter; replaces glutamine 338 with a stop codon.
Molecular consequence: nonsense. On other transcripts: non-coding transcript variant (1).
Genome position (GRCh38, 1-based): chr9:95,480,024, G>A on the plus strand (C>T on the coding strand, the complement: PTCH1 is on the minus strand). VCF-style: chr9-95480024-G-A. GRCh37 (hg19) VCF-style: chr9-98242306-G-A.
Other names: c.814C>T, p.Gln272Ter (NM_001083602.3); c.1009C>T, p.Gln337Ter (NM_001083603.3); c.559C>T, p.Gln187Ter (NM_001083604.3, NM_001083605.3, NM_001083606.3 and 1 more transcripts); c.1012C>T, p.Gln338Ter (NM_001354918.2); short protein forms Q337*, Q338*, Q187*, Q272*.
Identifiers: ClinVar variation 965440 (VCV000965440.8), dbSNP rs1841404957, ClinGen allele CA374119672.

ClinVar aggregate classification (germline): Pathogenic (1 of 4 stars; one submission).

Conditions:
Gorlin syndrome. Also called: Nevoid Basal Cell Carcinoma Syndrome; Basal cell nevus syndrome. Identifiers: Orphanet 377, MedGen C0004779, MONDO:0007187.

Submission:

Labcorp Genetics (formerly Invitae), Labcorp
Classification: Pathogenic for Gorlin syndrome. Last evaluated: 2023-10-16. Review status: criteria provided, single submitter. Criteria: Invitae Variant Classification Sherloc (09022015). Collection method: clinical testing. Allele origin: germline.
Comment: This sequence change creates a premature translational stop signal (p.Gln338*) in the PTCH1 gene. It is expected to result in an absent or disrupted protein product. Loss-of-function variants in PTCH1 are known to be pathogenic (PMID: 16301862, 16419085). This variant is not present in population databases (gnomAD no frequency). This variant has not been reported in the literature in individuals affected with PTCH1-related conditions. ClinVar contains an entry for this variant (Variation ID: 965440). For these reasons, this variant has been classified as Pathogenic.

Literature cited by the submitters: PubMed 16301862; PubMed 16419085.